The following is an entry in ClinVar:

ClinVar aggregate classification (germline): Conflicting classifications of pathogenicity. Review status: criteria provided, conflicting classifications (1 of 4 stars). 2 submissions from 2 submitters: Uncertain significance (1); Likely benign (1). Last evaluated 2023-03-23.

Conditions:
Hereditary cancer-predisposing syndrome. Also called: Neoplastic Syndromes, Hereditary; Tumor predisposition; Hereditary Cancer Syndrome; Hereditary neoplastic syndrome. Identifiers: Orphanet 140162, MedGen C0027672, MeSH D009386, MONDO:0015356.
Hereditary breast ovarian cancer syndrome. Also called: Hereditary breast and ovarian cancer; Hereditary breast and ovarian cancer syndrome (HBOC); Hereditary breast and ovarian cancer syndrome; BRCA1- and BRCA2-Associated Hereditary Breast and Ovarian Cancer; Hereditary breast and/or ovarian cancer syndrome; Breast and ovarian cancer. Identifiers: Orphanet 145, MedGen C0677776, MeSH D061325, MONDO:0003582. Disease mechanism: loss of function.

Allele frequency attached by ClinVar (database versions not stated): gnomAD exomes below 0.00001.
gnomAD v4.1: 3 of 1,613,708 alleles (0.00019%); highest among the groups gnomAD compares: Non-Finnish European, 0.00025%; no homozygotes.

Submissions (2):

University of Washington Department of Laboratory Medicine, University of Washington
Classification: Likely benign for Hereditary cancer-predisposing syndrome. Last evaluated: 2023-03-23. Review status: criteria provided, single submitter. Criteria: Dines et al. (Genet Med. 2020). Collection method: curation. Allele origin: germline.
Comment: Missense variant in a coldspot region where missense variants are very unlikely to be pathogenic (PMID:31911673).

BRCA2 exon 11 coldspot. Reclassification based on statistical prior probability.

Labcorp Genetics (formerly Invitae), Labcorp
Classification: Uncertain significance for Hereditary breast ovarian cancer syndrome. Last evaluated: 2020-07-26. Review status: criteria provided, single submitter. Criteria: Invitae Variant Classification Sherloc (09022015). Collection method: clinical testing. Allele origin: germline.
Comment: In summary, the available evidence is currently insufficient to determine the role of this variant in disease. Therefore, it has been classified as a Variant of Uncertain Significance. Advanced modeling of protein sequence and biophysical properties (such as structural, functional, and spatial information, amino acid conservation, physicochemical variation, residue mobility, and thermodynamic stability) performed at Invitae indicates that this missense variant is not expected to disrupt BRCA2 protein function. This variant has not been reported in the literature in individuals with BRCA2-related conditions. This variant is not present in population databases (ExAC no frequency). This sequence change replaces leucine with valine at codon 996 of the BRCA2 protein (p.Leu996Val). The leucine residue is weakly conserved and there is a small physicochemical difference between leucine and valine.

NM_000059.4(BRCA2):c.2986C>G (p.Leu996Val)

Gene: BRCA2 (BRCA2 DNA repair associated; plus strand). Cytogenetic location: 13q13.1.
Variant type: single nucleotide variant.
Coding change: c.2986C>G on transcript NM_000059.4 (MANE Select); coding-DNA position 2986, C replaced by G.
Protein change: p.Leu996Val; replaces leucine 996 with valine.
Molecular consequence: missense variant.
Genome position (GRCh38, 1-based): chr13:32,337,341, C>G. VCF-style: chr13-32337341-C-G. GRCh37 (hg19) VCF-style: chr13-32911478-C-G.
Other names: short protein forms L996V.
Identifiers: ClinVar variation 1025572 (VCV001025572.10), dbSNP rs2072469725, ClinGen allele CA387774588.
Genomic context (GRCh38, chr13:32,337,341, plus strand): 5'-TCCTTGAATATAGATAAAATACCAGAAAAAAATAATGATTACATGAACAAATGGGCAGGA[C>G]TCTTAGGTCCAATTTCAAATCACAGTTTTGGAGGTAGCTTCAGAACAGCTTCAAATAAGG-3'
Protein context (NP_000050.3, residues 986-1006): NNDYMNKWAG[Leu996Val]LGPISNHSFG